The following is an entry in ClinVar:

NM_001038.6(SCNN1A):c.1361G>T (p.Gly454Val)

Gene: SCNN1A (sodium channel epithelial 1 subunit alpha; minus strand). Cytogenetic location: 12p13.31.
Variant type: single nucleotide variant.
Coding change: c.1361G>T on transcript NM_001038.6 (MANE Select); coding-DNA position 1361, G replaced by T.
Protein change: p.Gly454Val; replaces glycine 454 with valine.
Molecular consequence: missense variant.
Genome position (GRCh38, 1-based): chr12:6,349,405, C>A on the plus strand (G>T on the coding strand, the complement: SCNN1A is on the minus strand). VCF-style: chr12-6349405-C-A. GRCh37 (hg19) VCF-style: chr12-6458571-C-A.
Other names: c.1430G>T, p.Gly477Val (NM_001159575.2); c.1538G>T, p.Gly513Val (NM_001159576.2); c.1361G>T (NM_001038.5); short protein forms G513V, G454V, G477V.
Identifiers: ClinVar variation 2168610 (VCV002168610.5), dbSNP rs72657557, ClinGen allele CA6405886.

ClinVar aggregate classification (germline): Uncertain significance. Review status: criteria provided, multiple submitters, no conflicts (2 of 4 stars). 4 submissions from 4 submitters: Uncertain significance (4). Last evaluated 2025-05-14.

Conditions:
Monosomy 7 myelodysplasia and leukemia syndrome 1. Also called: Familial Mosaic Monosomy 7 Syndrome; Monosomy 7 of bone marrow; CHROMOSOME 7q DELETION. Identifiers: MedGen C1854978, MONDO:0009646, OMIM 252270.
Inborn genetic diseases. Identifiers: MedGen C0950123, MeSH D030342.
Pseudohypoaldosteronism, type IB1, autosomal recessive. Also called: Pseudohypoaldosteronism, Type I, Autosomal Recessive; Autosomal recessive pseudohypoaldosteronism type 1; Pseudohypoaldosteronism, Type I, Recessive; PHA I, AUTOSOMAL RECESSIVE. Identifiers: Orphanet 171876, Orphanet 756, MedGen C5774176, MONDO:0009917, OMIM 264350.
Bronchiectasis with or without elevated sweat chloride 2 (BESC2). Identifiers: Orphanet 60033, MedGen C2751666, MONDO:0013087, OMIM 613021.
Liddle syndrome 3. Identifiers: MedGen C4748292, MONDO:0029132, OMIM 618126.

Allele frequency attached by ClinVar (database versions not stated): ExAC 0.00009; 1000 Genomes Project 30x 0.00016; 1000 Genomes Project 0.00020; ESP Exome Variant Server 0.00031.
gnomAD v4.1: 40 of 1,581,848 alleles (0.0025%); highest among the groups gnomAD compares: African/African-American, 0.047%; no homozygotes.

Submissions (4):

Ambry Genetics
Classification: Uncertain significance for Inborn genetic diseases. Last evaluated: 2025-05-14. Review status: criteria provided, single submitter. Criteria: Ambry Variant Classification Scheme 2023. Collection method: clinical testing. Allele origin: germline.

Johns Hopkins Genomics, Johns Hopkins University
Classification: Uncertain significance for Monosomy 7 myelodysplasia and leukemia syndrome 1. Last evaluated: 2025-01-06. Review status: criteria provided, single submitter. Criteria: ACMG Guidelines, 2015. Collection method: clinical testing. Allele origin: germline.
Comment: This missense variant (rs72657557) is rare (<0.1%) in a large population dataset (gnomAD v4.1.0: 40/1581848 total alleles, 0.003%, 0 homozygotes) and has been reported in ClinVar (Variation ID: 2168610). Two bioinformatic tools predict that this substitution would be damaging to the protein but these algorithms have low specificity, especially for predicting gain of function variants. The glycine residue is evolutionary conserved across most species assessed. We consider the clinical significance of the SCNN1A c.1361G>T variant to be uncertain at this time.

Fulgent Genetics
Classification: Uncertain significance for Pseudohypoaldosteronism, type IB1, autosomal recessive; Bronchiectasis with or without elevated sweat chloride 2; Liddle syndrome 3. Last evaluated: 2024-06-24. Review status: criteria provided, single submitter. Criteria: ACMG Guidelines, 2015. Collection method: clinical testing. Allele origin: germline.

Labcorp Genetics (formerly Invitae), Labcorp
Classification: Uncertain significance. Last evaluated: 2022-02-08. Review status: criteria provided, single submitter. Criteria: Invitae Variant Classification Sherloc (09022015). Collection method: clinical testing. Allele origin: germline.
Comment: Algorithms developed to predict the effect of missense changes on protein structure and function are either unavailable or do not agree on the potential impact of this missense change (SIFT: "Tolerated"; PolyPhen-2: "Probably Damaging"; Align-GVGD: "Class C0"). In summary, the available evidence is currently insufficient to determine the role of this variant in disease. Therefore, it has been classified as a Variant of Uncertain Significance. This variant has not been reported in the literature in individuals affected with SCNN1A-related conditions. This variant is present in population databases (rs72657557, gnomAD 0.07%). This sequence change replaces glycine, which is neutral and non-polar, with valine, which is neutral and non-polar, at codon 454 of the SCNN1A protein (p.Gly454Val).